The following is an entry in ClinVar:

ClinVar aggregate classification (germline): Likely benign. Review status: criteria provided, multiple submitters, no conflicts (2 of 4 stars). 2 submissions from 2 submitters: Likely benign (2). Last evaluated 2020-08-28.

Allele frequency attached by ClinVar (database versions not stated): gnomAD 0.00001; gnomAD exomes 0.00001.
gnomAD v4.1: 5 of 1,614,002 alleles (0.00031%); highest among the groups gnomAD compares: East Asian, 0.0022%; no homozygotes.

Submissions (2):

Blueprint Genetics
Classification: Likely benign. Last evaluated: 2020-08-28. Review status: criteria provided, single submitter. Criteria: ACMG Guidelines, 2015. Collection method: clinical testing. Allele origin: germline.

GeneDx
Classification: Likely benign. Last evaluated: 2017-10-19. Review status: criteria provided, single submitter. Criteria: GeneDx Variant Classification (06012015). Collection method: clinical testing. Allele origin: germline. Affected: yes.
Comment: This variant is considered likely benign or benign based on one or more of the following criteria: it is a conservative change, it occurs at a poorly conserved position in the protein, it is predicted to be benign by multiple in silico algorithms, and/or has population frequency not consistent with disease.

NM_001134407.3(GRIN2A):c.801C>T (p.Leu267=)

Gene: GRIN2A (glutamate ionotropic receptor NMDA type subunit 2A; minus strand). Cytogenetic location: 16p13.2.
Variant type: single nucleotide variant.
Coding change: c.801C>T on transcript NM_001134407.3 (MANE Select); coding-DNA position 801, C replaced by T.
Protein change: p.Leu267=; no amino-acid change (leucine 267 retained).
Molecular consequence: synonymous variant.
Genome position (GRCh38, 1-based): chr16:9,938,165, G>A on the plus strand (C>T on the coding strand, the complement: GRIN2A is on the minus strand). VCF-style: chr16-9938165-G-A. GRCh37 (hg19) VCF-style: chr16-10032022-G-A.
Other names: c.801C>T, p.Leu267= (NM_000833.5, NM_001134408.2).
Identifiers: ClinVar variation 512819 (VCV000512819.2), dbSNP rs1186955038, ClinGen allele CA493683349.